The following is an entry in ClinVar:

ClinVar aggregate classification (germline): Uncertain significance. Review status: criteria provided, multiple submitters, no conflicts (2 of 4 stars). 9 submissions from 8 submitters: Uncertain significance (9). Last evaluated 2025-08-08.

Conditions:
Meckel syndrome, type 6. Identifiers: Orphanet 564, MedGen C2676790, MONDO:0012848, OMIM 612284.
Joubert syndrome 9 (JBTS9). Identifiers: Orphanet 2318, MedGen C2676788, MONDO:0012849, OMIM 612285.
COACH syndrome 2. Identifiers: MedGen C5436837, MONDO:0030859, OMIM 619111.
Retinitis pigmentosa 93. Identifiers: MedGen C5676970, MONDO:0030797, OMIM 619845.
CC2D2A-related disorder. Also called: CC2D2A-related condition; CC2D2A-related disorders. Identifiers: MedGen CN239313.
Meckel-Gruber syndrome. Also called: Dysencephalia splachnocystica; DYSENCEPHALIA SPLANCHNOCYSTICA; GRUBER SYNDROME. Identifiers: Orphanet 564, MedGen C0265215, MONDO:0018921.
Joubert syndrome. Also called: Familial aplasia of the vermis; JOUBERT-BOLTSHAUSER SYNDROME. Identifiers: Orphanet 475, MedGen C5979921, MONDO:0018772.

Allele frequency attached by ClinVar (database versions not stated): ExAC 0.00003; gnomAD exomes 0.00005; TOPMed 0.00006; gnomAD 0.00009 and 0.00011; ESP Exome Variant Server 0.00017; 1000 Genomes Project 30x 0.00031; 1000 Genomes Project 0.00040.

Submissions (9):

Mayo Clinic Laboratories, Mayo Clinic
Classification: Uncertain significance. Last evaluated: 2025-08-08. Review status: criteria provided, single submitter. Criteria: ACMG Guidelines, 2015. Collection method: clinical testing. Allele origin: germline. Observed: 1 variant allele.

PreventionGenetics, part of Exact Sciences
Classification: Uncertain significance for CC2D2A-related condition. Last evaluated: 2025-07-01. Review status: criteria provided, single submitter. Criteria: ACMG Guidelines, 2015. Collection method: clinical testing. Allele origin: germline.
Comment: The CC2D2A c.1484G>A variant is predicted to result in the amino acid substitution p.Arg495His. This variant was reported in the compound heterozgous state in an infant with Joubert syndrome (Table S8, Fu et al 2022. PubMed ID: 36307859). This variant is reported in 0.035% of alleles in individuals of East Asian descent in gnomAD. At this time, the clinical significance of this variant is uncertain due to the absence of conclusive functional and genetic evidence.

Fulgent Genetics
Classification: Uncertain significance for Meckel syndrome, type 6; Joubert syndrome 9; COACH syndrome 2; Retinitis pigmentosa 93. Last evaluated: 2024-04-01. Review status: criteria provided, single submitter. Criteria: ACMG Guidelines, 2015. Collection method: clinical testing. Allele origin: germline.

Blueprint Genetics
Classification: Uncertain significance. Last evaluated: 2023-10-26. Review status: criteria provided, single submitter. Criteria: ACMG Guidelines, 2015. Collection method: clinical testing. Allele origin: germline.

Labcorp Genetics (formerly Invitae), Labcorp
Classification: Uncertain significance for Joubert syndrome; Meckel-Gruber syndrome. Last evaluated: 2022-09-01. Review status: criteria provided, single submitter. Criteria: Invitae Variant Classification Sherloc (09022015). Collection method: clinical testing. Allele origin: germline.
Comment: This sequence change replaces arginine, which is basic and polar, with histidine, which is basic and polar, at codon 495 of the CC2D2A protein (p.Arg495His). This variant is present in population databases (rs373906628, gnomAD 0.04%). This variant has not been reported in the literature in individuals affected with CC2D2A-related conditions. ClinVar contains an entry for this variant (Variation ID: 420965). Advanced modeling of protein sequence and biophysical properties (such as structural, functional, and spatial information, amino acid conservation, physicochemical variation, residue mobility, and thermodynamic stability) performed at Invitae indicates that this missense variant is expected to disrupt CC2D2A protein function. In summary, the available evidence is currently insufficient to determine the role of this variant in disease. Therefore, it has been classified as a Variant of Uncertain Significance.

Illumina Laboratory Services, Illumina
Classification: Uncertain significance for Joubert syndrome 9. Last evaluated: 2018-01-12. Review status: criteria provided, single submitter. Criteria: ICSL Variant Classification Criteria 13 December 2019. Collection method: clinical testing. Allele origin: germline.

Illumina Laboratory Services, Illumina
Classification: Uncertain significance for Meckel syndrome, type 6. Last evaluated: 2018-01-12. Review status: criteria provided, single submitter. Criteria: ICSL Variant Classification Criteria 13 December 2019. Collection method: clinical testing. Allele origin: germline.

Eurofins Ntd Llc (ga)
Classification: Uncertain significance. Last evaluated: 2017-10-06. Review status: criteria provided, single submitter. Criteria: EGL Classification Definitions 2015. Collection method: clinical testing. Allele origin: germline. Observed: 1 variant allele, 1 heterozygote.

GeneDx
Classification: Uncertain significance. Last evaluated: 2017-05-31. Review status: criteria provided, single submitter. Criteria: GeneDx Variant Classification (06012015). Collection method: clinical testing. Allele origin: germline. Affected: yes.
Comment: A variant of uncertain significance has been identified in the CC2D2A gene. The R495H variant has not been published as a pathogenic variant, nor has it been reported as a benign variant to our knowledge. It was not observed with any significant frequency in approximately 5,900 individuals of European and African American ancestry in the NHLBI Exome Sequencing Project, and the 1000 Genomes Project reports it was observed in 0.2% of alleles from individuals of East Asian background. The R495H variant is a conservative amino acid substitution, which is not likely to impact secondary protein structure as these residues share similar properties. However, this substitution occurs at a position that is conserved across species. In silico analysis is inconsistent in its predictions as to whether or not the R495H variant is damaging to the protein structure/function. Based on the currently available information, it is unclear whether this variant is a pathogenic variant or a rare benign variant.

Literature cited by the submitters: PubMed 31069529 (cited by Mayo Clinic Laboratories, Mayo Clinic); PubMed 36307859 (cited by Mayo Clinic Laboratories, Mayo Clinic).

NM_001378615.1(CC2D2A):c.1484G>A (p.Arg495His)

Genes: CC2D2A (coiled-coil and C2 domain containing 2A; plus strand), FBXL5 (F-box and leucine rich repeat protein 5; minus strand). Cytogenetic location: 4p15.32.
Variant type: single nucleotide variant.
Coding change: c.1484G>A on transcript NM_001378615.1 (MANE Select); coding-DNA position 1484, G replaced by A.
Protein change: p.Arg495His; replaces arginine 495 with histidine.
Molecular consequence: missense variant.
Genome position (GRCh38, 1-based): chr4:15,533,210, G>A. VCF-style: chr4-15533210-G-A. GRCh37 (hg19) VCF-style: chr4-15534833-G-A.
Other names: p.Arg495His; c.1484G>A, p.Arg495His (NM_001080522.2); c.1337G>A, p.Arg446His (NM_001378617.1); short protein forms R495H, R446H.
Identifiers: ClinVar variation 420965 (VCV000420965.21), dbSNP rs373906628, ClinGen allele CA2863697.